The following is an entry in ClinVar:

ClinVar aggregate classification (germline): Uncertain significance. Review status: criteria provided, multiple submitters, no conflicts (2 of 4 stars). 2 submissions from 2 submitters: Uncertain significance (2). Last evaluated 2023-04-07.

Conditions:
Malignant hyperthermia, susceptibility to, 5 (MHS5). Also called: CACNA1S-Related Malignant Hyperthermia Susceptibility. Identifiers: Orphanet 423, MedGen C1866077, MONDO:0011163, OMIM 601887.
Hypokalemic periodic paralysis, type 1. Also called: HypoPP; Hypokalemic Periodic Paralysis Type 1 (AD). Identifiers: Orphanet 681, MedGen C3714580, MONDO:0042979, OMIM 170400.

Allele frequency attached by ClinVar (database versions not stated): gnomAD exomes below 0.00001; TOPMed below 0.00001; gnomAD 0.00001.
gnomAD v4.1: 2 of 1,613,660 alleles (0.00012%); highest among the groups gnomAD compares: Non-Finnish European, 0.00017%; no homozygotes.

Submissions (2):

Labcorp Genetics (formerly Invitae), Labcorp
Classification: Uncertain significance for Hypokalemic periodic paralysis, type 1; Malignant hyperthermia, susceptibility to, 5. Last evaluated: 2023-04-07. Review status: criteria provided, single submitter. Criteria: Invitae Variant Classification Sherloc (09022015). Collection method: clinical testing. Allele origin: germline.
Comment: This variant has not been reported in the literature in individuals affected with CACNA1S-related conditions. This sequence change replaces arginine, which is basic and polar, with lysine, which is basic and polar, at codon 1427 of the CACNA1S protein (p.Arg1427Lys). This variant is not present in population databases (gnomAD no frequency). Advanced modeling of protein sequence and biophysical properties (such as structural, functional, and spatial information, amino acid conservation, physicochemical variation, residue mobility, and thermodynamic stability) performed at Invitae indicates that this missense variant is not expected to disrupt CACNA1S protein function. In summary, the available evidence is currently insufficient to determine the role of this variant in disease. Therefore, it has been classified as a Variant of Uncertain Significance.

All of Us Research Program, National Institutes of Health
Classification: Uncertain significance for Malignant hyperthermia, susceptibility to, 5. Last evaluated: 2023-02-24. Review status: criteria provided, single submitter. Criteria: ACMG Guidelines, 2015. Collection method: clinical testing. Allele origin: germline. Inheritance: Autosomal dominant inheritance. Observed: 1 variant allele, 1 heterozygote.
Comment: This missense variant replaces arginine with lysine at codon 1427 of the CACNA1S protein. Computational prediction suggests that this variant may not impact protein structure and function (internally defined REVEL score threshold <= 0.5, PMID: 27666373). To our knowledge, functional studies have not been reported for this variant. This variant has not been reported in individuals affected with CACNA1S-related disorders in the literature. This variant has not been identified in the general population by the Genome Aggregation Database (gnomAD). The available evidence is insufficient to determine the role of this variant in disease conclusively. Therefore, this variant is classified as a Variant of Uncertain Significance.

This study involves interpretation of variants in research participants for the purpose of population health screening. Participant phenotype was not available at the time of variant classification. Additional details can be found in publication PMID: 35346344, PMCID: PMC8962531

NM_000069.3(CACNA1S):c.4280G>A (p.Arg1427Lys)

Gene: CACNA1S (calcium voltage-gated channel subunit alpha1 S; minus strand). Cytogenetic location: 1q32.1.
Variant type: single nucleotide variant.
Coding change: c.4280G>A on transcript NM_000069.3 (MANE Select); coding-DNA position 4280, G replaced by A.
Protein change: p.Arg1427Lys; replaces arginine 1427 with lysine.
Molecular consequence: missense variant.
Genome position (GRCh38, 1-based): chr1:201,049,061, C>T on the plus strand (G>A on the coding strand, the complement: CACNA1S is on the minus strand). VCF-style: chr1-201049061-C-T. GRCh37 (hg19) VCF-style: chr1-201018189-C-T.
Other names: short protein forms R1427K.
Identifiers: ClinVar variation 2933227 (VCV002933227.4), dbSNP rs1660566979, ClinGen allele CA344146405.